The following is an entry in ClinVar:

ClinVar aggregate classification (germline): Uncertain significance (1 of 4 stars; one submission).

Conditions:
Nephrotic syndrome, type 18. Identifiers: MedGen C4748549, MONDO:0032581, OMIM 618177.
Galloway-Mowat syndrome 8. Identifiers: MedGen C5193045, MONDO:0032693, OMIM 618349.

Submission:

Juno Genomics, Hangzhou Juno Genomics, Inc
Classification: Uncertain significance for Galloway-Mowat syndrome 8; Nephrotic syndrome, type 18. Review status: criteria provided, single submitter. Criteria: ACMG Guidelines, 2015. Collection method: clinical testing. Allele origin: germline.
Comment: Absent from controls (or at extremely low frequency if recessive) in Genome Aggregation Database.;Multiple lines of computational evidence support a deleterious effect on the gene or gene product.

NM_018230.3(NUP133):c.1195-10T>C

Gene: NUP133 (nucleoporin 133; minus strand). Cytogenetic location: 1q42.13.
Variant type: single nucleotide variant.
Coding change: c.1195-10T>C on transcript NM_018230.3 (MANE Select); 10 bases into the intron before coding-DNA position 1195, T replaced by C.
Molecular consequence: intron variant.
Genome position (GRCh38, 1-based): chr1:229,487,623, A>G on the plus strand (T>C on the coding strand, the complement: NUP133 is on the minus strand). VCF-style: chr1-229487623-A-G. GRCh37 (hg19) VCF-style: chr1-229623370-A-G.
Identifiers: ClinVar variation 5006244 (VCV005006244.2).